The following is an entry in ClinVar:

NM_000465.4(BARD1):c.1028C>T (p.Thr343Ile)

Gene: BARD1 (BRCA1 associated RING domain 1; minus strand). Cytogenetic location: 2q35.
Variant type: single nucleotide variant.
Coding change: c.1028C>T on transcript NM_000465.4 (MANE Select); coding-DNA position 1028, C replaced by T.
Protein change: p.Thr343Ile; replaces threonine 343 with isoleucine.
Molecular consequence: missense variant. On other transcripts: non-coding transcript variant (2), intron variant (3).
Genome position (GRCh38, 1-based): chr2:214,780,846, G>A on the plus strand (C>T on the coding strand, the complement: BARD1 is on the minus strand). VCF-style: chr2-214780846-G-A. GRCh37 (hg19) VCF-style: chr2-215645570-G-A.
Other names: p.T343I:ACC>ATC; c.971C>T, p.Thr324Ile (NM_001282543.2); c.159-28291C>T (NM_001282548.2); c.215+16215C>T (NM_001282545.2); c.364+11451C>T (NM_001282549.2); short protein forms T343I, T324I.
Identifiers: ClinVar variation 127712 (VCV000127712.41), dbSNP rs201032007, ClinGen allele CA331810.

ClinVar aggregate classification (germline): Conflicting classifications of pathogenicity. Review status: criteria provided, conflicting classifications (1 of 4 stars). 16 submissions from 16 submitters: Uncertain significance (9); Likely benign (6). 1 of the submissions does not count toward it. Last evaluated 2026-02-04.

Conditions:
BARD1-related disorder. Also called: BARD1-related condition.
Hereditary cancer-predisposing syndrome. Also called: Neoplastic Syndromes, Hereditary; Tumor predisposition; Hereditary Cancer Syndrome; Hereditary neoplastic syndrome. Identifiers: Orphanet 140162, MedGen C0027672, MeSH D009386, MONDO:0015356.
Familial cancer of breast. Also called: hereditary breast carcinoma; Hereditary breast cancer; BREAST CANCER, FAMILIAL. Identifiers: Orphanet 227535, MedGen C0346153, MONDO:0016419, OMIM 114480. Disease mechanism: loss of function.

Allele frequency attached by ClinVar (database versions not stated): gnomAD 0.00003; TOPMed 0.00008; ExAC 0.00009; gnomAD exomes 0.00011 and 0.00013; ESP Exome Variant Server 0.00015.
gnomAD v4.1: 200 of 1,614,100 alleles (0.012%); highest among the groups gnomAD compares: Admixed American, 0.048%; no homozygotes.

Submissions (16):

Labcorp Genetics (formerly Invitae), Labcorp
Classification: Uncertain significance for Familial cancer of breast. Last evaluated: 2026-02-04. Review status: criteria provided, single submitter. Criteria: Invitae Variant Classification Sherloc (09022015). Collection method: clinical testing. Allele origin: germline.
Comment: This sequence change replaces threonine, which is neutral and polar, with isoleucine, which is neutral and non-polar, at codon 343 of the BARD1 protein (p.Thr343Ile). This variant is present in population databases (rs201032007, gnomAD 0.04%), and has an allele count higher than expected for a pathogenic variant. This missense change has been observed in individual(s) with breast cancer, endometrial cancer, and/or ovarian cancer (PMID: 26315354, 27443514, 34646395, 35595798). ClinVar contains an entry for this variant (Variation ID: 127712). An algorithm developed to predict the effect of missense changes on protein structure and function (PolyPhen-2) suggests that this variant is likely to be tolerated. Experimental studies have shown that this missense change does not substantially affect BARD1 function (PMID: 30925164). In summary, the available evidence is currently insufficient to determine the role of this variant in disease. Therefore, it has been classified as a Variant of Uncertain Significance.

Women's Health and Genetics/Laboratory Corporation of America, LabCorp
Classification: Uncertain significance. Last evaluated: 2025-10-13. Review status: criteria provided, single submitter. Criteria: LabCorp Variant Classification Summary - May 2015. Collection method: clinical testing. Allele origin: germline.
Comment: Variant summary: BARD1 c.1028C>T (p.Thr343Ile) results in a non-conservative amino acid change in the encoded protein sequence. Algorithms developed to predict the effect of missense changes on protein structure and function are either unavailable or do not agree on the potential impact of this missense change. The variant allele was found at a frequency of 0.00013 in 251212 control chromosomes. This frequency is not significantly higher than estimated for disease-causing variants in BARD1, allowing no conclusion about variant significance. c.1028C>T has been observed as a VUS in settings of multigene panel testing among individuals with a variety of cancer types (Ramus_2015, Ring_2016, Bonache_2018, Laraqui_2021, Benito-Sanchez_2022). These report(s) do not provide unequivocal conclusions about association of the variant with Breast and/or BARD1 associated Cancer. At least one publication reports experimental evidence evaluating an impact on protein function and these results show no damaging effect of this variant on Homology Directed Repair and damage sensitivity (Adamovich_2019). The following publications have been ascertained in the context of this evaluation (PMID: 30925164, 35595798, 30306255, 34646395, 26315354, 27443514). ClinVar contains an entry for this variant (Variation ID: 127712). Based on the evidence outlined above, the variant was classified as VUS-possibly benign.

Institute for Biomarker Research, Medical Diagnostic Laboratories, L.L.C.
Classification: Likely benign for Hereditary cancer-predisposing syndrome. Last evaluated: 2025-04-10. Review status: criteria provided, single submitter. Criteria: ACMG Guidelines, 2015. Collection method: clinical testing. Allele origin: germline.
Comment: The missense variant NM_000465.4(BARD1):c.1028C>T (p.Thr343Ile) has not been reported previously as a pathogenic variant, to our knowledge. There is a moderate physicochemical difference between threonine and isoleucine. The p.Thr343Ile variant is not predicted to introduce a novel splice site by any splice site algorithm. The p.Thr343Ile missense variant is predicted to be tolerated by both SIFT or PolyPhen2. The nucleotide c.1028 in BARD1 is not conserved according to a GERP++ and PhyloP analysis of 100 vertebrates. For these reasons, this variant has been classified as Likely Benign.

Center for Genomic Medicine, Rigshospitalet, Copenhagen University Hospital
Classification: Uncertain significance. Last evaluated: 2025-03-04. Review status: criteria provided, single submitter. Criteria: ACMG Guidelines, 2015. Collection method: clinical testing. Allele origin: germline.

GeneDx
Classification: Uncertain significance. Last evaluated: 2025-02-12. Review status: criteria provided, single submitter. Criteria: GeneDx Variant Classification Process June 2021. Collection method: clinical testing. Allele origin: germline. Affected: yes.
Comment: Observed in individuals with endometrial, ovarian, breast, or other cancers (PMID: 26315354, 27443514, 28717660, 34646395, 35595798); Published functional studies are inconclusive: decreased homology-directed repair activity, but not significantly different from the wild-type control (PMID: 30925164); In silico analysis indicates that this missense variant does not alter protein structure/function; This variant is associated with the following publications: (PMID: 27443514, 26315354, 28717660, 34646395, 35595798, 32980694, 33471991, 25085752, 36243179, 30925164, 30306255)

Hereditary Cancer Laboratory, Hospital Universitario 12 de Octubre
Classification: Likely benign for Hereditary cancer-predisposing syndrome. Last evaluated: 2025-01-16. Review status: criteria provided, single submitter. Criteria: ACMG Guidelines, 2015. Collection method: clinical testing. Allele origin: germline.
Comment: BS1+BP4

PreventionGenetics, part of Exact Sciences
Classification: Uncertain significance for BARD1-related condition. Last evaluated: 2024-12-31. Review status: criteria provided, single submitter. Criteria: ACMG Guidelines, 2015. Collection method: clinical testing. Allele origin: germline.
Comment: The BARD1 c.1028C>T variant is predicted to result in the amino acid substitution p.Thr343Ile. This variant has been reported in individuals with ovarian, endometrial, and/or breast cancer (Ramus et al. 2015. PubMed ID: 26315354; Table S2, Ring et al. 2016. PubMed ID: 27443514; Laraqui et al. 2021. PubMed ID: 34646395) as well as in an individual with colorectal adenocarcinoma that harbored a pathogenic variant in the FANCL gene (Table 7, Cabanillas et al. 2017. PubMed ID: 28717660). It is reported as a germline variant in a breast tumor and an ovarian tumor sample from the Cancer Genome Atlas (TCGA) database, and functional analysis suggests overall protein function is not significantly altered as a result of this variant (Adamovich et al. 2019. PubMed ID: 30925164). This variant has also been reported in an unaffected individual (Table S4, Ramus et al. 2015. PubMed ID: 26315354). This variant has been reported in up to 0.04% of individuals from gnomAD and has conflicting interpretations of likely benign and uncertain significance in ClinVar. At this time, the clinical significance of this variant is uncertain due to the absence of conclusive functional and genetic evidence.

St. Jude Molecular Pathology, St. Jude Children's Research Hospital
Classification: Uncertain significance for Familial cancer of breast. Last evaluated: 2023-11-29. Review status: criteria provided, single submitter. Criteria: St. Jude Assertion Criteria 2020. Collection method: clinical testing. Allele origin: germline.

Quest Diagnostics Nichols Institute San Juan Capistrano
Classification: Likely benign. Last evaluated: 2023-06-14. Review status: criteria provided, single submitter. Criteria: Quest Diagnostics criteria. Collection method: clinical testing. Allele origin: unknown.

Myriad Genetics, Inc.
Classification: Likely benign for Familial cancer of breast. Last evaluated: 2023-02-24. Review status: criteria provided, single submitter. Criteria: Myriad Autosomal Dominant, Autosomal Recessive and X-Linked Classification Criteria (2023). Collection method: clinical testing. Allele origin: unknown.
Comment: This variant is considered likely benign. This variant is strongly associated with less severe personal and family histories of cancer, typical for individuals without pathogenic variants in this gene [PMID: 25085752].

Laboratorio de Genetica e Diagnostico Molecular, Hospital Israelita Albert Einstein
Classification: Uncertain significance for Familial cancer of breast. Last evaluated: 2022-07-22. Review status: criteria provided, single submitter. Criteria: ACMG Guidelines, 2015. Collection method: clinical testing. Allele origin: germline. Affected: yes. Observed: 1 variant allele.
Comment: ACMG classification criteria: PM2 moderated, BP4 supporting

Sema4
Classification: Uncertain significance for Hereditary cancer-predisposing syndrome. Last evaluated: 2021-06-08. Review status: criteria provided, single submitter. Criteria: Sema4 Curation Guidelines. Collection method: curation. Allele origin: germline.
Comment: The BARD1 c.1028C>T (p.T343I) variant has been reported in heterozygosity in multiple individuals with breast, ovarian, or endometrial cancer (PMID: 27443514, 28717660, 33471991, 26315354). However, it has also been reported in healthy controls (PMID: 33471991, 26315354, 32980694). A study on homology-directed repair activity demonstrated the normal function of the protein (PMID: 30925164). This variant was observed in 12/35410 chromosomes in the Latino population, with no homozygotes, according to the Genome Aggregation Database (PMID: 32461654) and has been reported in ClinVar (Variation ID: 127712). In silico tools suggest the impact of the variant on protein function is benign, though these predictions have not been confirmed by functional studies. The overall evidence is inconsistent with ACMG/AMP requirements for a classification of benign or pathogenic. In summary, the clinical significance of this variant is currently uncertain.

Color Diagnostics, LLC DBA Color Health
Classification: Likely benign for Hereditary cancer-predisposing syndrome. Last evaluated: 2020-11-30. Review status: criteria provided, single submitter. Criteria: ACMG Guidelines, 2015. Collection method: clinical testing. Allele origin: germline.

Ambry Genetics
Classification: Likely benign for Hereditary cancer-predisposing syndrome. Last evaluated: 2020-11-17. Review status: criteria provided, single submitter. Criteria: Ambry Variant Classification Scheme 2023. Collection method: clinical testing. Allele origin: germline.

Mendelics
Classification: Uncertain significance for Familial cancer of breast. Last evaluated: 2018-07-02. Review status: criteria provided, single submitter. Criteria: Mendelics Assertion Criteria 2017. Collection method: clinical testing. Allele origin: unknown.

Counsyl
Classification: Uncertain significance for Familial cancer of breast. Last evaluated: 2016-07-26. Review status: no assertion criteria provided. Collection method: clinical testing. Allele origin: unknown. Not counted in ClinVar's aggregate classification.

Literature cited by the submitters: PubMed 26315354 (cited by 6 submitters); PubMed 27443514 (cited by 6 submitters); PubMed 34646395 (cited by 3 submitters); PubMed 35595798 (cited by 3 submitters); PubMed 30925164 (cited by 6 submitters); PubMed 30306255 (cited by Women's Health and Genetics/Laboratory Corporation of America, LabCorp); PubMed 33471991 (cited by 3 submitters); PubMed 28717660 (cited by 3 submitters); PubMed 32980694 (cited by Quest Diagnostics Nichols Institute San Juan Capistrano and Sema4); PubMed 25085752 (cited by Myriad Genetics, Inc.).